The following is an entry in ClinVar:

ClinVar aggregate classification (germline): Pathogenic. Review status: criteria provided, multiple submitters, no conflicts (2 of 4 stars). 2 submissions from 2 submitters: Pathogenic (2). Last evaluated 2024-08-31.

Conditions:
Carney complex, type 1 (CNC1). Also called: CARNEY MYXOMA-ENDOCRINE COMPLEX; CARNEY COMPLEX, TYPE I. Identifiers: Orphanet 1359, MedGen C2607929, MONDO:0008057, OMIM 160980.

Submissions (2):

Labcorp Genetics (formerly Invitae), Labcorp
Classification: Pathogenic for Carney complex, type 1. Last evaluated: 2024-08-31. Review status: criteria provided, single submitter. Criteria: Invitae Variant Classification Sherloc (09022015). Collection method: clinical testing. Allele origin: germline.
Comment: This sequence change replaces aspartic acid, which is acidic and polar, with glycine, which is neutral and non-polar, at codon 269 of the PRKAR1A protein (p.Asp269Gly). This variant is not present in population databases (gnomAD no frequency). This missense change has been observed in individual(s) with PRKAR1A-related conditions (PMID: 26763073). In at least one individual the variant was observed to be de novo. ClinVar contains an entry for this variant (Variation ID: 426532). Invitae Evidence Modeling incorporating data from in vitro experimental studies (internal data) indicates that this missense variant is expected to disrupt PRKAR1A function with a positive predictive value of 95%. For these reasons, this variant has been classified as Pathogenic.

GeneDx
Classification: Pathogenic. Last evaluated: 2020-07-08. Review status: criteria provided, single submitter. Criteria: GeneDx Variant Classification Process June 2021. Collection method: clinical testing. Allele origin: germline. Affected: yes.
Comment: Not observed in large population cohorts (Lek et al., 2016); In silico analysis supports that this missense variant has a deleterious effect on protein structure/function; This variant is associated with the following publications: (PMID: 27825928, 26763073)

Literature cited by the submitters: PubMed 26763073 (cited by Labcorp Genetics (formerly Invitae), Labcorp).

NM_002734.5(PRKAR1A):c.806A>G (p.Asp269Gly)

Gene: PRKAR1A (protein kinase cAMP-dependent type I regulatory subunit alpha; plus strand). Cytogenetic location: 17q24.2.
Variant type: single nucleotide variant.
Coding change: c.806A>G on transcript NM_002734.5 (MANE Select); coding-DNA position 806, A replaced by G.
Protein change: p.Asp269Gly; replaces aspartic acid 269 with glycine.
Molecular consequence: missense variant.
Genome position (GRCh38, 1-based): chr17:68,528,906, A>G. VCF-style: chr17-68528906-A-G. GRCh37 (hg19) VCF-style: chr17-66525047-A-G.
Other names: c.806A>G, p.Asp269Gly (NM_001276289.2, NM_001276290.1, NM_001278433.2 and 4 more transcripts); short protein forms D269G.
Identifiers: ClinVar variation 426532 (VCV000426532.5), dbSNP rs1085307672, ClinGen allele CA400753859.